The following is an entry in ClinVar:

ClinVar aggregate classification (germline): Uncertain significance (1 of 4 stars; one submission).

Conditions:
2-aminoadipic 2-oxoadipic aciduria (AAKAD). Also called: Aminoadipic aciduria; ALPHA-AMINOADIPIC AND ALPHA-KETOADIPIC ACIDURIA. Identifiers: Orphanet 79154, MedGen C1859817, MONDO:0008774, OMIM 204750.

Submission:

Labcorp Genetics (formerly Invitae), Labcorp
Classification: Uncertain significance for 2-aminoadipic 2-oxoadipic aciduria. Last evaluated: 2024-09-09. Review status: criteria provided, single submitter. Criteria: Invitae Variant Classification Sherloc (09022015). Collection method: clinical testing. Allele origin: germline.
Comment: This sequence change replaces phenylalanine, which is neutral and non-polar, with leucine, which is neutral and non-polar, at codon 669 of the DHTKD1 protein (p.Phe669Leu). This variant is not present in population databases (gnomAD no frequency). This variant has not been reported in the literature in individuals affected with DHTKD1-related conditions. Invitae Evidence Modeling of protein sequence and biophysical properties (such as structural, functional, and spatial information, amino acid conservation, physicochemical variation, residue mobility, and thermodynamic stability) has been performed for this missense variant. However, the output from this modeling did not meet the statistical confidence thresholds required to predict the impact of this variant on DHTKD1 protein function. In summary, the available evidence is currently insufficient to determine the role of this variant in disease. Therefore, it has been classified as a Variant of Uncertain Significance.

NM_018706.7(DHTKD1):c.2005T>C (p.Phe669Leu)

Gene: DHTKD1 (dehydrogenase E1 and transketolase domain containing 1; plus strand). Cytogenetic location: 10p14.
Variant type: single nucleotide variant.
Coding change: c.2005T>C on transcript NM_018706.7 (MANE Select); coding-DNA position 2005, T replaced by C.
Protein change: p.Phe669Leu; replaces phenylalanine 669 with leucine.
Molecular consequence: missense variant.
Genome position (GRCh38, 1-based): chr10:12,106,354, T>C. VCF-style: chr10-12106354-T-C. GRCh37 (hg19) VCF-style: chr10-12148353-T-C.
Other names: short protein forms F669L.
Identifiers: ClinVar variation 3704626 (VCV003704626.2).